The following is an entry in ClinVar:

ClinVar aggregate classification (germline): Uncertain significance (1 of 4 stars; one submission).

Conditions:
Chuvash polycythemia. Also called: POLYCYTHEMIA, VHL-DEPENDENT. Identifiers: Orphanet 238557, MedGen C1837915, MONDO:0009892, OMIM 263400.
Von Hippel-Lindau syndrome (VHLS). Also called: von Hippel–Lindau syndrome; VHL syndrome; Von Hippel-Lindau. Identifiers: Orphanet 892, MedGen C0019562, MONDO:0008667, OMIM 193300. Disease mechanism: loss of function.

Submission:

Labcorp Genetics (formerly Invitae), Labcorp
Classification: Uncertain significance for Von Hippel-Lindau syndrome; Chuvash polycythemia. Last evaluated: 2017-11-05. Review status: criteria provided, single submitter. Criteria: Invitae Variant Classification Sherloc (09022015). Collection method: clinical testing. Allele origin: germline.
Comment: In summary, the available evidence is currently insufficient to determine the role of this variant in disease. Therefore, it has been classified as a Variant of Uncertain Significance. This sequence change replaces leucine with phenylalanine at codon 140 of the VHL protein (p.Leu140Phe). The leucine residue is moderately conserved and there is a small physicochemical difference between leucine and phenylalanine. This variant is not present in population databases (ExAC no frequency). This variant has not been reported in the literature in individuals with VHL-related disease. Algorithms developed to predict the effect of missense changes on protein structure and function do not agree on the potential impact of this missense change (SIFT: "Tolerated"; PolyPhen-2: "Possibly Damaging"; Align-GVGD: "Class C0").

NM_000551.4(VHL):c.418C>T (p.Leu140Phe)

Genes: VHL (von Hippel-Lindau tumor suppressor; plus strand), LOC107303340 (3p25 von Hippel-Lindau tumor suppressor, E3 ubiquitin protein ligase Alu-mediated recombination region; plus strand). Cytogenetic location: 3p25.3.
Variant type: single nucleotide variant.
Coding change: c.418C>T on transcript NM_000551.4 (MANE Select); coding-DNA position 418, C replaced by T.
Protein change: p.Leu140Phe; replaces leucine 140 with phenylalanine.
Molecular consequence: missense variant. On other transcripts: intron variant (2).
Genome position (GRCh38, 1-based): chr3:10,146,591, C>T. VCF-style: chr3-10146591-C-T. GRCh37 (hg19) VCF-style: chr3-10188275-C-T.
Other names: c.*18-3196C>T (NM_001354723.2); c.341-3196C>T (NM_198156.3); short protein forms L140F.
Identifiers: ClinVar variation 526688 (VCV000526688.9), dbSNP rs768637170, ClinGen allele CA351754113.
Genomic context (GRCh38, chr3:10,146,591, plus strand): 5'-AGAGATGCAGGGACACACGATGGGCTTCTGGTTAACCAAACTGAATTATTTGTGCCATCT[C>T]TCAATGTTGACGGACAGCCTATTTTTGCCAATATCACACTGCCAGGTACTGACGTTTTAC-3'
Protein context (NP_000542.1, residues 130-150): VNQTELFVPS[Leu140Phe]NVDGQPIFAN